The following is an entry in ClinVar:

NM_004369.4(COL6A3):c.1250C>T (p.Pro417Leu)

Gene: COL6A3 (collagen type VI alpha 3 chain; minus strand). Cytogenetic location: 2q37.3.
Variant type: single nucleotide variant.
Coding change: c.1250C>T on transcript NM_004369.4 (MANE Select); coding-DNA position 1250, C replaced by T.
Protein change: p.Pro417Leu; replaces proline 417 with leucine.
Molecular consequence: missense variant. On other transcripts: intron variant (2).
Genome position (GRCh38, 1-based): chr2:237,387,644, G>A on the plus strand (C>T on the coding strand, the complement: COL6A3 is on the minus strand). VCF-style: chr2-237387644-G-A. GRCh37 (hg19) VCF-style: chr2-238296287-G-A.
Other names: c.632C>T, p.Pro211Leu (NM_057165.5, NM_057167.4); c.92-6145C>T (NM_057166.5, NM_057164.5); short protein forms P417L, P211L.
Identifiers: ClinVar variation 1968177 (VCV001968177.6), dbSNP rs768565371, ClinGen allele CA2189674.

ClinVar aggregate classification (germline): Likely benign. Review status: criteria provided, single submitter (1 of 4 stars). 2 submissions from 2 submitters: Likely benign (1). 1 of the submissions does not count toward it. Last evaluated 2022-05-18.

Conditions:
Bethlem myopathy 1A. Also called: MYOPATHY, BENIGN CONGENITAL, WITH CONTRACTURES; Bethlem myopathy 1; Bethlem Muscular Dystrophy. Identifiers: Orphanet 610, MedGen CN029274, MONDO:0024530, OMIM 158810.
COL6A3-related disorder. Also called: COL6A3-related disorders; COL6A3-related condition.

Allele frequency attached by ClinVar (database versions not stated): ExAC 0.00002; gnomAD 0.00002; TOPMed 0.00002.
gnomAD v4.1: 23 of 1,613,616 alleles (0.0014%); highest among the groups gnomAD compares: South Asian, 0.0044%; no homozygotes.

Submissions (2):

Labcorp Genetics (formerly Invitae), Labcorp
Classification: Likely benign for Bethlem myopathy 1A. Last evaluated: 2022-05-18. Review status: criteria provided, single submitter. Criteria: Invitae Variant Classification Sherloc (09022015). Collection method: clinical testing. Allele origin: germline.

PreventionGenetics, part of Exact Sciences
Classification: Uncertain significance for COL6A3-related condition. Last evaluated: 2024-04-04. Review status: no assertion criteria provided. Collection method: clinical testing. Allele origin: germline. Not counted in ClinVar's aggregate classification.
Comment: The COL6A3 c.1250C>T variant is predicted to result in the amino acid substitution p.Pro417Leu. To our knowledge, this variant has not been reported in the literature. This variant is reported in 0.0050% of alleles in individuals of East Asian descent in gnomAD. At this time, the clinical significance of this variant is uncertain due to the absence of conclusive functional and genetic evidence.